The following is an entry in ClinVar:

NM_000215.4(JAK3):c.2693T>G (p.Leu898Arg)

Gene: JAK3 (Janus kinase 3; minus strand). Cytogenetic location: 19p13.11.
Variant type: single nucleotide variant.
Coding change: c.2693T>G on transcript NM_000215.4 (MANE Select); coding-DNA position 2693, T replaced by G.
Protein change: p.Leu898Arg; replaces leucine 898 with arginine.
Molecular consequence: missense variant.
Genome position (GRCh38, 1-based): chr19:17,831,786, A>C on the plus strand (T>G on the coding strand, the complement: JAK3 is on the minus strand). VCF-style: chr19-17831786-A-C. GRCh37 (hg19) VCF-style: chr19-17942595-A-C.
Other names: short protein forms L898R.
Identifiers: ClinVar variation 846577 (VCV000846577.7), dbSNP rs2094215030, ClinGen allele CA404765784.

ClinVar aggregate classification (germline): Uncertain significance (1 of 4 stars; one submission).

Conditions:
T-B+ severe combined immunodeficiency due to JAK3 deficiency. Also called: SCID, autosomal recessive, T-negative/B-positive type; SCID, T CELL-NEGATIVE, B CELL-POSITIVE, NK CELL-NEGATIVE. Identifiers: Orphanet 35078, MedGen C1833275, MONDO:0010938, OMIM 600802.

Submission:

Labcorp Genetics (formerly Invitae), Labcorp
Classification: Uncertain significance for T-B+ severe combined immunodeficiency due to JAK3 deficiency. Last evaluated: 2022-07-11. Review status: criteria provided, single submitter. Criteria: Invitae Variant Classification Sherloc (09022015). Collection method: clinical testing. Allele origin: germline.
Comment: In summary, the available evidence is currently insufficient to determine the role of this variant in disease. Therefore, it has been classified as a Variant of Uncertain Significance. Advanced modeling of protein sequence and biophysical properties (such as structural, functional, and spatial information, amino acid conservation, physicochemical variation, residue mobility, and thermodynamic stability) performed at Invitae indicates that this missense variant is expected to disrupt JAK3 protein function. ClinVar contains an entry for this variant (Variation ID: 846577). This variant has not been reported in the literature in individuals affected with JAK3-related conditions. This variant is not present in population databases (gnomAD no frequency). This sequence change replaces leucine, which is neutral and non-polar, with arginine, which is basic and polar, at codon 898 of the JAK3 protein (p.Leu898Arg).